The following is an entry in ClinVar:

ClinVar aggregate classification (germline): Pathogenic (1 of 4 stars; one submission).

Submission:

Labcorp Genetics (formerly Invitae), Labcorp
Classification: Pathogenic. Last evaluated: 2021-10-29. Review status: criteria provided, single submitter. Criteria: Invitae Variant Classification Sherloc (09022015). Collection method: clinical testing. Allele origin: germline.
Comment: This sequence change creates a premature translational stop signal (p.Glu75*) in the UROS gene. It is expected to result in an absent or disrupted protein product. Loss-of-function variants in UROS are known to be pathogenic (PMID: 1733834, 7860775, 12060141). This variant is not present in population databases (gnomAD no frequency). This variant has not been reported in the literature in individuals affected with UROS-related conditions. For these reasons, this variant has been classified as Pathogenic.

Literature cited by the submitters: PubMed 1733834; PubMed 7860775; PubMed 12060141.

NM_000375.3(UROS):c.223G>T (p.Glu75Ter)

Gene: UROS (uroporphyrinogen III synthase; minus strand). Cytogenetic location: 10q26.2.
Variant type: single nucleotide variant.
Coding change: c.223G>T on transcript NM_000375.3 (MANE Select); coding-DNA position 223, G replaced by T.
Protein change: p.Glu75Ter; replaces glutamic acid 75 with a stop codon.
Molecular consequence: nonsense. On other transcripts: non-coding transcript variant (2).
Genome position (GRCh38, 1-based): chr10:125,815,055, C>A on the plus strand (G>T on the coding strand, the complement: UROS is on the minus strand). VCF-style: chr10-125815055-C-A. GRCh37 (hg19) VCF-style: chr10-127503624-C-A.
Other names: c.223G>T, p.Glu75Ter (NM_001324036.2, NM_001324037.2, NM_001324038.2 and 1 more transcripts); short protein forms E75*.
Identifiers: ClinVar variation 1427883 (VCV001427883.6), dbSNP rs2133941618, ClinGen allele CA378661226.